The following is an entry in ClinVar:

ClinVar aggregate classification (germline): Uncertain significance. Review status: criteria provided, single submitter (1 of 4 stars). 2 submissions from 2 submitters: Uncertain significance (1). 1 of the submissions does not count toward it. Last evaluated 2022-05-20.

Conditions:
NKX2-2-related disorder. Also called: NKX2-2-related condition.

Allele frequency attached by ClinVar (database versions not stated): ExAC 0.00010; ESP Exome Variant Server 0.00031; 1000 Genomes Project 0.00040; 1000 Genomes Project 30x 0.00047.

Submissions (2):

Labcorp Genetics (formerly Invitae), Labcorp
Classification: Uncertain significance. Last evaluated: 2022-05-20. Review status: criteria provided, single submitter. Criteria: Invitae Variant Classification Sherloc (09022015). Collection method: clinical testing. Allele origin: germline.
Comment: In summary, the available evidence is currently insufficient to determine the role of this variant in disease. Therefore, it has been classified as a Variant of Uncertain Significance. Algorithms developed to predict the effect of sequence changes on RNA splicing suggest that this variant is not likely to affect RNA splicing. This variant has not been reported in the literature in individuals affected with NKX2-2-related conditions. This variant is present in population databases (rs200017904, gnomAD 0.08%). This sequence change affects codon 87 of the NKX2-2 mRNA. It is a 'silent' change, meaning that it does not change the encoded amino acid sequence of the NKX2-2 protein. It affects a nucleotide within the consensus splice site.

PreventionGenetics, part of Exact Sciences
Classification: Likely benign for NKX2-2-related condition. Last evaluated: 2021-02-18. Review status: no assertion criteria provided. Collection method: clinical testing. Allele origin: germline. Not counted in ClinVar's aggregate classification.
Comment: This variant is classified as likely benign based on ACMG/AMP sequence variant interpretation guidelines (Richards et al. 2015 PMID: 25741868, with internal and published modifications).

NM_002509.4(NKX2-2):c.259C>T (p.Leu87=)

Gene: NKX2-2 (NK2 homeobox 2; minus strand). Cytogenetic location: 20p11.22.
Variant type: single nucleotide variant.
Coding change: c.259C>T on transcript NM_002509.4 (MANE Select); coding-DNA position 259, C replaced by T.
Protein change: p.Leu87=; no amino-acid change (leucine 87 retained).
Molecular consequence: synonymous variant.
Genome position (GRCh38, 1-based): chr20:21,513,411, G>A on the plus strand (C>T on the coding strand, the complement: NKX2-2 is on the minus strand). VCF-style: chr20-21513411-G-A. GRCh37 (hg19) VCF-style: chr20-21494049-G-A.
Other names: c.259C>T (NM_002509.3).
Identifiers: ClinVar variation 2152769 (VCV002152769.5), dbSNP rs200017904, ClinGen allele CA9786304.